The following is an entry in ClinVar:

ClinVar aggregate classification (germline): Pathogenic/Likely pathogenic. Review status: criteria provided, multiple submitters, no conflicts (2 of 4 stars). 10 submissions from 10 submitters: Pathogenic (4); Likely pathogenic (4). 2 of the submissions do not count toward it. Last evaluated 2026-03-22.

Conditions:
Autosomal recessive Alport syndrome (ATS2). Also called: Alport syndrome type 2; ALPORT SYNDROME 2, AUTOSOMAL RECESSIVE; COL4A4 Alport Syndrome and Thin Basement Membrane Nephropathy; COL4A3-Related Nephropathy. Identifiers: Orphanet 63, Orphanet 88919, MedGen C4746745, MONDO:0008762, OMIM 203780.
Hematuria, benign familial, 1 (BFH1). Also called: THIN MEMBRANE NEPHROPATHY. Identifiers: MedGen CN376803, MONDO:0007709, OMIM 141200.
Inborn genetic diseases. Identifiers: MedGen C0950123, MeSH D030342.
Alport syndrome. Also called: Hemorrhagic familial nephritis; Hemorrhagic hereditary nephritis; Congenital hereditary hematuria. Identifiers: Orphanet 63, MedGen C1567741, MONDO:0018965.
COL4A4-related disorder.

Allele frequency attached by ClinVar (database versions not stated): gnomAD exomes 0.00001 and 0.00003; gnomAD 0.00002 and 0.00003; TOPMed 0.00002; ExAC 0.00003.
gnomAD v4.1: 20 of 1,614,046 alleles (0.0012%); highest among the groups gnomAD compares: East Asian, 0.011%; no homozygotes.

Submissions (11):

Victorian Clinical Genetics Services, Murdoch Childrens Research Institute
Classification: Pathogenic for Alport syndrome. Last evaluated: 2026-03-22. Review status: criteria provided, single submitter. Criteria: ACMG Guidelines, 2015. Collection method: clinical testing. Allele origin: germline. Affected: yes.
Comment: This variant is classified as Pathogenic. Evidence in support of pathogenic classification: Variant is present in gnomAD <0.01 (v4: 20 heterozygote(s), 0 homozygote(s)). - This variant has strong previous evidence of pathogenicity in unrelated individuals. This variant has been classified as pathogenic and likely pathogenic by clinical laboratories in Clinvar and has been reported in heterozygous and homozygous patients with Alport syndrome (VCGS, LOVD, PMID: 24033287, 33772369); Variant is located in the well-established functional Gly-X-Y motif in the collagen triple helical domain (DECIPHER); Missense variant predicted to be damaging by in silico tool(s) or highly conserved with a major amino acid change. Additional information: Variant is predicted to result in a missense amino acid change from Gly to Arg; This variant is heterozygous; This gene is associated with both recessive and dominant Alport syndrome (MONDO:0018965), COL4A4-related; Loss of function is a known mechanism of disease for this gene and is associated with Alport syndrome (MONDO:0018965), COL4A4-related. Dominant negative is a suspected mechanism of disease for glycine changes that are part of a Gly-X-Y repeat in the triple helix of a collagen domain (PMIDs: 12028435, 24046192, 38214412).

3billion
Classification: Pathogenic for Autosomal recessive Alport syndrome. Last evaluated: 2026-01-27. Review status: criteria provided, single submitter. Criteria: ACMG Guidelines, 2015. Collection method: clinical testing. Allele origin: germline. Affected: yes.
Comment: The variant is observed at an extremely low frequency in the gnomAD v4.1.0 dataset (total allele frequency: 0.001%). Predicted Consequence/Location: The variant is located in a mutational hot spot and/or well-established functional domain in which established pathogenic variants have been reported (PMID: 30311386). In silico tool predictions suggest damaging effect of the variant on gene or gene product [REVEL: 0.98 (>=0.6, sensitivity 0.68 and specificity 0.92); 3Cnet: 0.85 (> 0.75, sensitivity 0.96 and precision 0.92)]. The same nucleotide change resulting in the same amino acid change has been previously reported as pathogenic/likely pathogenic with strong evidence (ClinVar ID: VCV000988149 /PMID: 24033287 /3billion dataset). The variant has been observed in multiple (>3) similarly affected unrelated individuals (PMID: 24033287, 33772369, 36646731, 37097554). Therefore, this variant is classified as Pathogenic according to the recommendation of ACMG/AMP guideline.

Labcorp Genetics (formerly Invitae), Labcorp
Classification: Pathogenic. Last evaluated: 2026-01-27. Review status: criteria provided, single submitter. Criteria: Invitae Variant Classification Sherloc (09022015). Collection method: clinical testing. Allele origin: germline.
Comment: This sequence change replaces glycine, which is neutral and non-polar, with arginine, which is basic and polar, at codon 918 of the COL4A4 protein (p.Gly918Arg). This variant is present in population databases (rs372606845, gnomAD 0.02%). This missense change has been observed in individuals with clinical features of Alport syndrome (PMID: 24033287; internal data). It has also been observed to segregate with disease in related individuals. ClinVar contains an entry for this variant (Variation ID: 988149). Invitae Evidence Modeling of protein sequence and biophysical properties (such as structural, functional, and spatial information, amino acid conservation, physicochemical variation, residue mobility, and thermodynamic stability) indicates that this missense variant is expected to disrupt COL4A4 protein function with a positive predictive value of 95%. For these reasons, this variant has been classified as Pathogenic.

Natera, Inc.
Classification: Likely pathogenic for Alport syndrome. Last evaluated: 2025-09-16. Review status: criteria provided, single submitter. Criteria: Natera Variant Classification Schema (03/2026). Collection method: clinical testing. Allele origin: germline.
Comment: The c.2752G>A variant in COL4A4 is a missense variant predicted to cause substitution of glycine to arginine at amino acid 918. This variant is rare in the general population with a frequency below the threshold expected for the associated phenotype(s). This variant has been observed in one or more individuals affected with the associated recessive disease, as either homozygous or compound heterozygous with a second variant (PMID: 33772369). This variant has been observed in affected individual(s) with monoallelic occurrence (heterozygous/hemizygous) (PMID: 24033287, 37097554, 38317457). Additionally, this variant has been observed to segregate in affected family members (PMID: 24033287). This variant is located in a functionally critical region of the protein. Computational prediction algorithms indicate this variant is likely to affect gene or protein function. Given the available evidence, this variant is classified as Likely Pathogenic.

Fulgent Genetics
Classification: Pathogenic for Hematuria, benign familial, 1; Autosomal recessive Alport syndrome. Last evaluated: 2024-06-12. Review status: criteria provided, single submitter. Criteria: ACMG Guidelines, 2015. Collection method: clinical testing. Allele origin: germline.

Ambry Genetics
Classification: Likely pathogenic for Inborn genetic diseases. Last evaluated: 2024-03-01. Review status: criteria provided, single submitter. Criteria: Ambry Variant Classification Scheme 2023. Collection method: clinical testing. Allele origin: germline.
Comment: The c.2752G>A (p.G918R) alteration is located in exon 31 (coding exon 30) of the COL4A4 gene. This alteration results from a G to A substitution at nucleotide position 2752, causing the glycine (G) at amino acid position 918 to be replaced by an arginine (R). Based on data from gnomAD, the A allele has an overall frequency of 0.003% (9/280892) total alleles studied. The highest observed frequency was 0.01% (2/19530) of East Asian alleles. This variant was reported in multiple individuals with features consistent with COL4A4-related Alport syndrome (Isaranuwatchai, 2023; Zhou, 2023; Zhang, 2021; Fallerini, 2014). Additionally, this alteration has been reported to segregate with disease (Fallerini, 2014). This amino acid position is highly conserved in available vertebrate species. This alteration is predicted to be deleterious by in silico analysis. Based on the available evidence, this alteration is classified as likely pathogenic.

Blueprint Genetics
Classification: Likely pathogenic for COL4A4-related disorders. Last evaluated: 2020-11-19. Review status: criteria provided, single submitter. Criteria: ACMG Guidelines, 2015. Collection method: clinical testing. Allele origin: germline. Affected: yes. Observed: 2 variant alleles.

Juno Genomics, Hangzhou Juno Genomics, Inc
Classification: Likely pathogenic for Hematuria, benign familial, 1; Autosomal recessive Alport syndrome. Review status: criteria provided, single submitter. Criteria: ACMG Guidelines, 2015. Collection method: clinical testing. Allele origin: germline.
Comment: Absent from controls (or at extremely low frequency if recessive) in Genome Aggregation Database.;Multiple lines of computational evidence support a deleterious effect on the gene or gene product.;The prevalence of the variant in affected individuals is significantly increased compared to the prevalence in controls.

PreventionGenetics, part of Exact Sciences
Classification: Pathogenic for COL4A4-related condition. Last evaluated: 2024-05-01. Review status: no assertion criteria provided. Collection method: clinical testing. Allele origin: germline. Not counted in ClinVar's aggregate classification.
Comment: The COL4A4 c.2752G>A variant is predicted to result in the amino acid substitution p.Gly918Arg. The Gly918Arg variant affects a Gly residue of the conserved triple helical domain (residues 65 – 1459) of the COL4A4 protein. The majority of pathogenic variants in COL4A4 substitute a glycine residue to a bulkier amino acid in the triple-helical domain (Hudson et al. 1993. PubMed ID: 8253711). This variant has been reported in a study of autosomal dominant Alport syndrome (Fallerini et al. 2014. PubMed ID: 24033287) and has also been reported in the homozygous state in an individual with Alport syndrome (Zhang et al. 2021. PubMed ID: 33772369). It has also been reported in an individual with steroid-resistant nephrotic syndrome (Isaranuwatchai et al. 2023. PubMed ID: 36646731). This variant is reported in 0.010% of alleles in individuals of East Asian descent in gnomAD. This variant is interpreted as pathogenic.

Sydney Genome Diagnostics, Children's Hospital Westmead
Classification: Likely pathogenic for Alport syndrome. Last evaluated: 2019-02-21. Review status: no assertion criteria provided. Collection method: clinical testing. Allele origin: unknown. Affected: yes. Observed: 1 variant allele, 1 heterozygote. Not counted in ClinVar's aggregate classification.
Comment: This variant is reported in the gnomAD browser with a very low allele frequency of 0.003% (9 out of 280,892 alleles). This variant results in substitution of one of the invariant glycine residues within the triple helical domain of the alpha 4 chain of type IV collagen. This variant has been reported to segregate in 4 affected family members with autosomal dominant Alport syndrome in the literature (Fallerini et al 2014 Clin Genet 86:252-257). In silico analysis of pathogenicity (through Alamut Visual v2.8.1) using PolyPhen2, SIFT and MutationTaster all predict this variant to be a likely pathogenic variant. This variant is considered to be likely pathogenic according to the ACMG guidelines (Evidence used: PM1_strong, PM2, PP1, PP3).

Dr. Peter K. Rogan Lab, Western University
No classification provided (evidence only). Condition: Thyroid cancer, nonmedullary, 1. Review status: no classification provided. Collection method: in vitro. Allele origin: not applicable. Functional consequence: retained intron. Not counted in ClinVar's aggregate classification.

Literature cited by the submitters: PubMed 38214412 (cited by Victorian Clinical Genetics Services, Murdoch Childrens Research Institute); PubMed 33772369 (cited by 4 submitters); PubMed 24033287 (cited by 5 submitters); PubMed 24046192 (cited by Victorian Clinical Genetics Services, Murdoch Childrens Research Institute); PubMed 12028435 (cited by Victorian Clinical Genetics Services, Murdoch Childrens Research Institute); PubMed 36646731 (cited by 3billion and Ambry Genetics); PubMed 37097554 (cited by 3 submitters); PubMed 38317457 (cited by Natera, Inc.).

NM_000092.5(COL4A4):c.2752G>A (p.Gly918Arg)

Gene: COL4A4 (collagen type IV alpha 4 chain; minus strand). Cytogenetic location: 2q36.3.
Variant type: single nucleotide variant.
Coding change: c.2752G>A on transcript NM_000092.5 (MANE Select); coding-DNA position 2752, G replaced by A.
Protein change: p.Gly918Arg; replaces glycine 918 with arginine.
Molecular consequence: missense variant.
Genome position (GRCh38, 1-based): chr2:227,054,702, C>T on the plus strand (G>A on the coding strand, the complement: COL4A4 is on the minus strand). VCF-style: chr2-227054702-C-T. GRCh37 (hg19) VCF-style: chr2-227919418-C-T.
Other names: short protein forms G918R.
Identifiers: ClinVar variation 988149 (VCV000988149.24), dbSNP rs372606845, ClinGen allele CA2144722.